The following is an entry in ClinVar:

ClinVar aggregate classification (germline): Pathogenic/Likely pathogenic. Review status: criteria provided, multiple submitters, no conflicts (2 of 4 stars). 9 submissions from 9 submitters: Pathogenic (5); Likely pathogenic (4). Last evaluated 2026-01-22.

Conditions:
MYO15A-related disorder. Also called: MYO15A-related condition.
Rare genetic deafness. Identifiers: Orphanet 96210, MedGen C5680250.
Autosomal recessive nonsyndromic hearing loss 3. Also called: NEUROSENSORY NONSYNDROMIC RECESSIVE DEAFNESS 3. Identifiers: Orphanet 90636, MedGen C1838263, MONDO:0010860, OMIM 600316.

Allele frequency attached by ClinVar (database versions not stated): gnomAD exomes 0.00008 and 0.00019; TOPMed 0.00010; gnomAD 0.00011; ExAC 0.00014; ESP Exome Variant Server 0.00055.

Submissions (9):

GeneDx
Classification: Likely pathogenic. Last evaluated: 2026-01-22. Review status: criteria provided, single submitter. Criteria: GeneDx Variant Classification Process June 2021. Collection method: clinical testing. Allele origin: germline. Affected: yes.
Comment: Published functional studies suggest that this variant results in aberrant splicing and "skipping" of exon 61 (PMID: 33398081); In silico analysis suggests that this variant does not alter splicing; This variant is associated with the following publications: (PMID: 33398081, WangS2023[casereport], 33111345, 34733312, 36515421)

Labcorp Genetics (formerly Invitae), Labcorp
Classification: Pathogenic. Last evaluated: 2026-01-16. Review status: criteria provided, single submitter. Criteria: Invitae Variant Classification Sherloc (09022015). Collection method: clinical testing. Allele origin: germline.
Comment: This sequence change affects codon 3287 of the MYO15A mRNA. It is a 'silent' change, meaning that it does not change the encoded amino acid sequence of the MYO15A protein. This variant is present in population databases (rs372466080, gnomAD 0.4%). This variant has been observed in individual(s) with non-syndromic deafness (PMID: 33111345, 33398081, 34733312). In at least one individual the data is consistent with being in trans (on the opposite chromosome) from a pathogenic variant. It is commonly reported in individuals of Ashkenazi Jewish ancestry (PMID: 33111345, 33398081, 34733312). ClinVar contains an entry for this variant (Variation ID: 45777). Studies have shown that this variant alters mRNA splicing and is expected to lead to the loss of protein expression (PMID: 33398081). For these reasons, this variant has been classified as Pathogenic.

PreventionGenetics, part of Exact Sciences
Classification: Likely pathogenic for MYO15A-related condition. Last evaluated: 2025-08-05. Review status: criteria provided, single submitter. Criteria: ACMG Guidelines, 2015. Collection method: clinical testing. Allele origin: germline.
Comment: The MYO15A c.9861C>T variant is not predicted to result in an amino acid change (p.=). This variant has been reported in the homozygous and compound heterozygous states in patients with nonsyndromic hearing loss (Brownstein et al 2020. PubMed ID: 33111345; Hirsch et al 2021. PubMed ID: 33398081; Booth et al 2021. PubMed ID: 34733312). Functional in vitro studies have shown this variant results in exon skipping, a frameshift and premature termination (Hirsch et al 2021. PubMed ID: 33398081). This variant is reported in 0.41% of alleles in individuals of Ashkenazi Jewish descent in gnomAD and has been described as a pathogenic founder variant in this population (Brownstein et al 2020. PubMed ID: 33111345). This variant is interpreted as likely pathogenic.

Women's Health and Genetics/Laboratory Corporation of America, LabCorp
Classification: Pathogenic for Autosomal recessive nonsyndromic hearing loss 3. Last evaluated: 2025-04-09. Review status: criteria provided, single submitter. Criteria: LabCorp Variant Classification Summary - May 2015. Collection method: clinical testing. Allele origin: germline.
Comment: Variant summary: MYO15A c.9861C>T alters a conserved nucleotide resulting in a synonymous change. Several computational tools predict a significant impact on normal splicing: One predict the variant weakens a cryptic 5' donor site. One predict the variant creates a 5' donor site. However, these predictions have yet to be confirmed by functional studies. The variant allele was found at a frequency of 0.00019 in 249412 control chromosomes. This frequency is not significantly higher than estimated for a pathogenic variant in MYO15A causing Autosomal Recessive Nonsyndromic Hearing Loss 3, allowing no conclusion about variant significance. c.9861C>T has been reported in the literature in multiple homozygous and compound heterozygous individuals affected with Autosomal Recessive Nonsyndromic Hearing Loss 3 and has been identified as a founder change in Ashkenazi Jews (Brownstein_2020, Booth_2021). These data indicate that the variant is very likely to be associated with disease. To our knowledge, no experimental evidence demonstrating an impact on protein function has been reported. The following publications have been ascertained in the context of this evaluation (PMID: 34733312, 33111345, 33398081, 36515421). ClinVar contains an entry for this variant (Variation ID: 45777). Based on the evidence outlined above, the variant was classified as pathogenic.

Illumina Laboratory Services, Illumina
Classification: Pathogenic for Autosomal recessive nonsyndromic hearing loss 3. Last evaluated: 2025-02-13. Review status: criteria provided, single submitter. Criteria: ICSLVariantClassificationCriteria RUGD 01 April 2020. Collection method: clinical testing. Allele origin: unknown.

CeGaT Center for Human Genetics Tuebingen
Classification: Likely pathogenic. Last evaluated: 2025-02-01. Review status: criteria provided, single submitter. Criteria: CeGaT Center For Human Genetics Tuebingen Variant Classification Criteria Version 2. Collection method: clinical testing. Allele origin: germline. Affected: yes. Observed: 2 variant alleles.
Comment: MYO15A: PM3:Very Strong, PM2:Supporting, PS3:Supporting, BP4

Blueprint Genetics
Classification: Pathogenic for MYO15A-related disorders. Last evaluated: 2024-11-22. Review status: criteria provided, single submitter. Criteria: ACMG Guidelines, 2015. Collection method: clinical testing. Allele origin: germline. Affected: yes. Observed: 5 variant alleles.

Laboratory for Molecular Medicine, Mass General Brigham Personalized Medicine
Classification: Likely pathogenic for Rare genetic deafness. Last evaluated: 2020-10-22. Review status: criteria provided, single submitter. Criteria: LMM Criteria. Collection method: clinical testing. Allele origin: germline. Inheritance: Autosomal recessive inheritance. Observed: 3 variant alleles.
Comment: proposed classification - variant undergoing re-assessment, contact laboratory

Laboratory of Prof. Karen Avraham, Tel Aviv University
Classification: Pathogenic for Autosomal recessive nonsyndromic hearing loss 3. Review status: criteria provided, single submitter. Criteria: ACMG Guidelines, 2015. Collection method: research. Allele origin: germline. Inheritance: Autosomal recessive inheritance. Affected: yes. Observed: 6 variant alleles, 6 compound heterozygotes. Clinical features observed: Sensorineural hearing loss disorder (HP:0000407).
Comment: The MYO15A c.9861C>T:p.G3287G variant has been detected in our study, in 2 Jewish Ashkenazi families, in compound heterozygosity with another known Ashkenazi MYO15A mutation: c.8183G>A:p.R2728H. Following immediate application of our findings in the genetics clinics in Israel, 5 additional families were detected with full segregation of this variant in compound heterozygosity with a known MYO15A deafness variant. Compound heterozygosity has not been detected in none if the 23 hearing members in these families. MYO15A c.9861C>T is predicted to lead to loss of splicing enhancer motifs by 4 of 6 HSF algorithms and to lead to gain of silencer motifs by 2 of 6 algorithms. Skipping of MYO16A exon 61 would lead to a message deletion of 161bp and a premature stop at codon 3266 of 3531.

Literature cited by the submitters: PubMed 33111345 (cited by Labcorp Genetics (formerly Invitae), Labcorp and Women's Health and Genetics/Laboratory Corporation of America, LabCorp); PubMed 33398081 (cited by Labcorp Genetics (formerly Invitae), Labcorp and Women's Health and Genetics/Laboratory Corporation of America, LabCorp); PubMed 34733312 (cited by Labcorp Genetics (formerly Invitae), Labcorp and Women's Health and Genetics/Laboratory Corporation of America, LabCorp); PubMed 36515421 (cited by Women's Health and Genetics/Laboratory Corporation of America, LabCorp).

NM_016239.4(MYO15A):c.9861C>T (p.Gly3287=)

Gene: MYO15A (myosin XVA; plus strand). Cytogenetic location: 17p11.2.
Variant type: single nucleotide variant.
Coding change: c.9861C>T on transcript NM_016239.4 (MANE Select); coding-DNA position 9861, C replaced by T.
Protein change: p.Gly3287=; no amino-acid change (glycine 3287 retained).
Molecular consequence: synonymous variant.
Genome position (GRCh38, 1-based): chr17:18,166,434, C>T. VCF-style: chr17-18166434-C-T. GRCh37 (hg19) VCF-style: chr17-18069748-C-T.
Identifiers: ClinVar variation 45777 (VCV000045777.54), dbSNP rs372466080, ClinGen allele CA137035.